The following is an entry in ClinVar:

NM_004171.4(SLC1A2):c.547G>A (p.Ala183Thr)

Gene: SLC1A2 (solute carrier family 1 member 2; minus strand). Cytogenetic location: 11p13.
Variant type: single nucleotide variant.
Coding change: c.547G>A on transcript NM_004171.4 (MANE Select); coding-DNA position 547, G replaced by A.
Protein change: p.Ala183Thr; replaces alanine 183 with threonine.
Molecular consequence: missense variant.
Genome position (GRCh38, 1-based): chr11:35,312,212, C>T on the plus strand (G>A on the coding strand, the complement: SLC1A2 is on the minus strand). VCF-style: chr11-35312212-C-T. GRCh37 (hg19) VCF-style: chr11-35333759-C-T.
Other names: c.520G>A, p.Ala174Thr (NM_001195728.3, NM_001252652.2); short protein forms A174T, A183T.
Identifiers: ClinVar variation 3681244 (VCV003681244.2).

ClinVar aggregate classification (germline): Uncertain significance (1 of 4 stars; one submission).

gnomAD v4.1: 3 of 1,614,110 alleles (0.00019%); highest among the groups gnomAD compares: Non-Finnish European, 0.00025%; no homozygotes.

Submission:

Labcorp Genetics (formerly Invitae), Labcorp
Classification: Uncertain significance. Last evaluated: 2024-03-28. Review status: criteria provided, single submitter. Criteria: Invitae Variant Classification Sherloc (09022015). Collection method: clinical testing. Allele origin: germline.
Comment: This sequence change replaces alanine, which is neutral and non-polar, with threonine, which is neutral and polar, at codon 183 of the SLC1A2 protein (p.Ala183Thr). This variant is not present in population databases (gnomAD no frequency). This variant has not been reported in the literature in individuals affected with SLC1A2-related conditions. Advanced modeling of protein sequence and biophysical properties (such as structural, functional, and spatial information, amino acid conservation, physicochemical variation, residue mobility, and thermodynamic stability) has been performed at Invitae for this missense variant, however the output from this modeling did not meet the statistical confidence thresholds required to predict the impact of this variant on SLC1A2 protein function. In summary, the available evidence is currently insufficient to determine the role of this variant in disease. Therefore, it has been classified as a Variant of Uncertain Significance.